The following is an entry in ClinVar:

NM_003024.3(ITSN1):c.2644C>A (p.Pro882Thr)

Gene: ITSN1 (intersectin 1; plus strand). Cytogenetic location: 21q22.11.
Variant type: single nucleotide variant.
Coding change: c.2644C>A on transcript NM_003024.3 (MANE Select); coding-DNA position 2644, C replaced by A.
Protein change: p.Pro882Thr; replaces proline 882 with threonine.
Molecular consequence: missense variant.
Genome position (GRCh38, 1-based): chr21:33,813,989, C>A. VCF-style: chr21-33813989-C-A. GRCh37 (hg19) VCF-style: chr21-35186293-C-A.
Other names: c.2644C>A, p.Pro882Thr (NM_001001132.2, NM_001331008.2); c.2629C>A, p.Pro877Thr (NM_001331009.2, NM_001331010.2, NM_001331011.2); c.2518C>A, p.Pro840Thr (NM_001331012.2); short protein forms P840T, P877T, P882T.
Identifiers: ClinVar variation 2672130 (VCV002672130.1), dbSNP rs2518019042, ClinGen allele CA410140634.

ClinVar aggregate classification (germline): Uncertain significance (1 of 4 stars; one submission).

Conditions:
ITSN1-related neurodevelopmental disorders.

Submission:

Clinical Genomics Laboratory, Washington University in St. Louis
Classification: Uncertain significance for ITSN1-related neurodevelopmental disorders. Last evaluated: 2023-07-18. Review status: criteria provided, single submitter. Criteria: ACMG Guidelines, 2015. Collection method: clinical testing. Allele origin: germline.
Comment: The ITSN1 c.2644C>A (p.Pro882Thr) variant, to our knowledge, has not been reported in the medical literature and is absent from the general population (gnomAD v.2.1.1), indicating it is not a common variant. Computational predictors suggest that the variant does not impact ITSN1 function. Additionally, all described pathogenic missense variants occur in the C terminus in a missense constrained region while this amino acid occurs in a region without known function (Bruel AL et al., PMID: 34707297). Due to limited information, and based on ACMG/AMP guidelines for variant interpretation (Richards S et al., PMID: 25741868), the clinical significance of this variant is uncertain at this time.